The following is an entry in ClinVar:

ClinVar aggregate classification (germline): Uncertain significance. Review status: criteria provided, multiple submitters, no conflicts (2 of 4 stars). 4 submissions from 4 submitters: Uncertain significance (4). Last evaluated 2025-11-12.

Conditions:
Inborn genetic diseases. Identifiers: MedGen C0950123, MeSH D030342.
Charcot-Marie-Tooth disease type 4. Also called: Charcot-Marie-Tooth, Type 4; Charcot-Marie-Tooth disease, type IV. Identifiers: Orphanet 64749, MedGen C4082197, MONDO:0018995.

Allele frequency attached by ClinVar (database versions not stated): gnomAD exomes 0.00006 and 0.00002; TOPMed 0.00002; ExAC 0.00003; gnomAD 0.00003 and 0.00004.
gnomAD v4.1: 40 of 1,612,956 alleles (0.0025%); highest among the groups gnomAD compares: Non-Finnish European, 0.00059%; no homozygotes.

Submissions (4):

Women's Health and Genetics/Laboratory Corporation of America, LabCorp
Classification: Uncertain significance. Last evaluated: 2025-11-12. Review status: criteria provided, single submitter. Criteria: LabCorp Variant Classification Summary - May 2015. Collection method: clinical testing. Allele origin: germline.
Comment: Variant summary: FIG4 c.1091T>A (p.Met364Lys) results in a non-conservative amino acid change in the encoded protein sequence. Algorithms developed to predict the effect of missense changes on protein structure and function are either unavailable or do not agree on the potential impact of this missense change. The variant allele was found at a frequency of 5.6e-05 in 250996 control chromosomes. This frequency is not significantly higher than estimated for disease-causing variants in FIG4, allowing no conclusion about variant significance. To our knowledge, no occurrence of c.1091T>A in individuals affected with FIG4-related conditions and no experimental evidence demonstrating its impact on protein function have been reported. ClinVar contains an entry for this variant (Variation ID: 426845). Based on the evidence outlined above, the variant was classified as uncertain significance.

Labcorp Genetics (formerly Invitae), Labcorp
Classification: Uncertain significance for Charcot-Marie-Tooth disease type 4. Last evaluated: 2022-02-16. Review status: criteria provided, single submitter. Criteria: Invitae Variant Classification Sherloc (09022015). Collection method: clinical testing. Allele origin: germline.
Comment: This sequence change replaces methionine, which is neutral and non-polar, with lysine, which is basic and polar, at codon 364 of the FIG4 protein (p.Met364Lys). This variant is present in population databases (rs772677048, gnomAD 0.1%). This variant has not been reported in the literature in individuals affected with FIG4-related conditions. ClinVar contains an entry for this variant (Variation ID: 426845). Algorithms developed to predict the effect of missense changes on protein structure and function are either unavailable or do not agree on the potential impact of this missense change (SIFT: "Deleterious"; PolyPhen-2: "Possibly Damaging"; Align-GVGD: "Class C0"). In summary, the available evidence is currently insufficient to determine the role of this variant in disease. Therefore, it has been classified as a Variant of Uncertain Significance.

Ambry Genetics
Classification: Uncertain significance for Inborn genetic diseases. Last evaluated: 2020-03-03. Review status: criteria provided, single submitter. Criteria: Ambry Variant Classification Scheme 2023. Collection method: clinical testing. Allele origin: germline.
Comment: The p.M364K variant (also known as c.1091T>A), located in coding exon 10 of the FIG4 gene, results from a T to A substitution at nucleotide position 1091. The methionine at codon 364 is replaced by lysine, an amino acid with similar properties. This amino acid position is highly conserved in available vertebrate species. In addition, this alteration is predicted to be deleterious by in silico analysis. Since supporting evidence is limited at this time, the clinical significance of this alteration remains unclear.

GeneDx
Classification: Uncertain significance. Last evaluated: 2017-03-31. Review status: criteria provided, single submitter. Criteria: GeneDx Variant Classification (06012015). Collection method: clinical testing. Allele origin: germline. Affected: yes.
Comment: A variant of uncertain significance has been identified in the FIG4 gene. The M364K variant has not been published as a pathogenic variant, nor has it been reported as a benign variant to our knowledge. The M364K variant is not observed at a significant frequency in large population cohorts (Lek et al., 2016; 1000 Genomes Consortium et al., 2015; Exome Variant Server). The M364K variant is a non-conservative amino acid substitution, which is likely to impact secondary protein structure as these residues differ in polarity, charge, size and/or other properties. This substitution occurs at a position that is conserved across species. In silico analysis predicts this variant is probably damaging to the protein structure/function. However, missense variants in nearby residues have not been reported in the Human Gene Mutation Database in association with FIG4-related disorders (Stenson et al., 2014). Therefore, based on the currently available information, it is unclear whether this variant is a pathogenic variant or a rare benign variant.

NM_014845.6(FIG4):c.1091T>A (p.Met364Lys)

Gene: FIG4 (FIG4 phosphoinositide 5-phosphatase; plus strand). Cytogenetic location: 6q21.
Variant type: single nucleotide variant.
Coding change: c.1091T>A on transcript NM_014845.6 (MANE Select); coding-DNA position 1091, T replaced by A.
Protein change: p.Met364Lys; replaces methionine 364 with lysine.
Molecular consequence: missense variant.
Genome position (GRCh38, 1-based): chr6:109,743,726, T>A. VCF-style: chr6-109743726-T-A. GRCh37 (hg19) VCF-style: chr6-110064929-T-A.
Other names: short protein forms M364K.
Identifiers: ClinVar variation 426845 (VCV000426845.9), dbSNP rs772677048, ClinGen allele CA3955983.